The following is an entry in ClinVar:

NM_004092.4(ECHS1):c.739+8A>T

Gene: ECHS1 (enoyl-CoA hydratase, short chain 1; minus strand). Cytogenetic location: 10q26.3.
Variant type: single nucleotide variant.
Coding change: c.739+8A>T on transcript NM_004092.4 (MANE Select); 8 bases into the intron after coding-DNA position 739, A replaced by T.
Molecular consequence: intron variant.
Genome position (GRCh38, 1-based): chr10:133,365,968, T>A on the plus strand (A>T on the coding strand, the complement: ECHS1 is on the minus strand). VCF-style: chr10-133365968-T-A. GRCh37 (hg19) VCF-style: chr10-135179472-T-A.
Identifiers: ClinVar variation 509359 (VCV000509359.6), dbSNP rs754023167, ClinGen allele CA5765674.

ClinVar aggregate classification (germline): Likely benign. Review status: criteria provided, multiple submitters, no conflicts (2 of 4 stars). 2 submissions from 2 submitters: Likely benign (2). Last evaluated 2024-08-21.

Allele frequency attached by ClinVar (database versions not stated): gnomAD exomes below 0.00001; ExAC 0.00001; TOPMed 0.00003; gnomAD 0.00005 and 0.00006; 1000 Genomes Project 30x 0.00031.
gnomAD v4.1: 13 of 1,613,646 alleles (0.00081%); highest among the groups gnomAD compares: African/African-American, 0.017%; no homozygotes.

Submissions (2):

Labcorp Genetics (formerly Invitae), Labcorp
Classification: Likely benign. Last evaluated: 2024-08-21. Review status: criteria provided, single submitter. Criteria: Invitae Variant Classification Sherloc (09022015). Collection method: clinical testing. Allele origin: germline.

GeneDx
Classification: Likely benign. Last evaluated: 2017-05-22. Review status: criteria provided, single submitter. Criteria: GeneDx Variant Classification (06012015). Collection method: clinical testing. Allele origin: germline. Affected: yes.
Comment: This variant is considered likely benign or benign based on one or more of the following criteria: it is a conservative change, it occurs at a poorly conserved position in the protein, it is predicted to be benign by multiple in silico algorithms, and/or has population frequency not consistent with disease.